The following is an entry in ClinVar:

NM_054012.4(ASS1):c.168del (p.Lys58fs)

Gene: ASS1 (argininosuccinate synthase 1; plus strand). Cytogenetic location: 9q34.11.
Variant type: Deletion.
Coding change: c.168del on transcript NM_054012.4 (MANE Select); coding-DNA position 168, one base deleted (C; older notation c.168delC).
Protein change: p.Lys58fs; shifts the reading frame from lysine 58.
Molecular consequence: frameshift variant.
Genome position (GRCh38, 1-based): chr9:130,454,367, C deleted; the last of 2 consecutive C bases (chr9:130,454,366-130,454,367); deleting either gives the same sequence. VCF-style (leftmost placement, unchanged base first): chr9-130454365-GC-G. GRCh37 (hg19) VCF-style: chr9-133329752-GC-G.
Other names: c.168del, p.Lys58fs (NM_000050.4); short protein forms K58fs.
Identifiers: ClinVar variation 5012407 (VCV005012407.1).

ClinVar aggregate classification (germline): Pathogenic (1 of 4 stars; one submission).

Conditions:
Citrullinemia type I (CTNL1). Also called: ASS DEFICIENCY; argininosuccinate synthetase deficiency. Identifiers: Orphanet 247525, MedGen C4721769, MONDO:0008988, OMIM 215700.

Submission:

Myriad Genetics, Inc.
Classification: Pathogenic for Citrullinemia type I. Last evaluated: 2023-10-17. Review status: criteria provided, single submitter. Criteria: Myriad Autosomal Dominant, Autosomal Recessive and X-Linked Classification Criteria (2023). Collection method: clinical testing. Allele origin: unknown.
Comment: NM_000050.4(ASS1):c.168delC(K58Rfs*82) is expected to be pathogenic in the context of citrullinemia type 1. This variant is predicted to lead to an abnormal or absent protein product due to the creation of a premature termination codon in ASS1, a gene where loss-of-function variants are known to be pathogenic. Please note: this variant was assessed in the context of healthy population screening.